The following is an entry in ClinVar:

NM_001355436.2(SPTB):c.1964A>G (p.Glu655Gly)

Gene: SPTB (spectrin beta, erythrocytic; minus strand). Cytogenetic location: 14q23.3.
Variant type: single nucleotide variant.
Coding change: c.1964A>G on transcript NM_001355436.2 (MANE Select); coding-DNA position 1964, A replaced by G.
Protein change: p.Glu655Gly; replaces glutamic acid 655 with glycine.
Molecular consequence: missense variant.
Genome position (GRCh38, 1-based): chr14:64,793,699, T>C on the plus strand (A>G on the coding strand, the complement: SPTB is on the minus strand). VCF-style: chr14-64793699-T-C. GRCh37 (hg19) VCF-style: chr14-65260417-T-C.
Other names: p.Glu655Gly; c.1964A>G, p.Glu655Gly (NM_001024858.4, NM_001355437.2); short protein forms E655G.
Identifiers: ClinVar variation 4541858 (VCV004541858.1).

ClinVar aggregate classification (germline): Uncertain significance (1 of 4 stars; one submission).

gnomAD v4.1: 1 of 1,614,058 alleles (0.000062%); highest among the groups gnomAD compares: Admixed American, 0.0017%; no homozygotes.

Submission:

Mayo Clinic Laboratories, Mayo Clinic
Classification: Uncertain significance. Last evaluated: 2025-03-18. Review status: criteria provided, single submitter. Criteria: ACMG Guidelines, 2015. Collection method: clinical testing. Allele origin: germline. Observed: 1 variant allele.
Comment: PM2_supporting